The following is an entry in ClinVar:

ClinVar aggregate classification (germline): Conflicting classifications of pathogenicity. Review status: criteria provided, conflicting classifications (1 of 4 stars). 2 submissions from 2 submitters: Uncertain significance (1); Likely benign (1). Last evaluated 2025-12-23.

Conditions:
Holoprosencephaly 5 (HPE5). Identifiers: Orphanet 2162, MedGen C1864827, MONDO:0012322, OMIM 609637.

Submissions (2):

Labcorp Genetics (formerly Invitae), Labcorp
Classification: Uncertain significance for Holoprosencephaly 5. Last evaluated: 2025-12-23. Review status: criteria provided, single submitter. Criteria: Invitae Variant Classification Sherloc (09022015). Collection method: clinical testing. Allele origin: germline.
Comment: This variant, c.90_92dup, results in the insertion of 1 amino acid(s) of the ZIC2 protein (p.Ala33dup), but otherwise preserves the integrity of the reading frame. This variant is present in population databases (rs748109787, gnomAD 0.03%). This variant has not been reported in the literature in individuals affected with ZIC2-related conditions. In summary, the available evidence is currently insufficient to determine the role of this variant in disease. Therefore, it has been classified as a Variant of Uncertain Significance.

Laboratory of Genetics, Children's Clinical University Hospital Latvia
Classification: Likely benign. Last evaluated: 2025-02-16. Review status: criteria provided, single submitter. Criteria: ACMG Guidelines, 2015. Collection method: clinical testing. Allele origin: germline. Affected: yes.

NM_007129.5(ZIC2):c.78GGC[6] (p.Ala33_Glu34insAla)

Gene: ZIC2 (Zic family zinc finger 2; plus strand). Cytogenetic location: 13q32.3.
Variant type: Microsatellite.
Coding change: c.78GGC[6] on transcript NM_007129.5 (MANE Select); six copies in a row of the 3-base unit GGC starting at c.78; the reference has five copies in a row; one copy, 3 bases duplicated.
Protein change: p.Ala33_Glu34insAla.
Molecular consequence: inframe insertion.
Genome position (GRCh38, 1-based): chr13:99,982,154-99,982,156, GGC duplicated; duplicating any 3 consecutive bases within chr13:99,982,140-99,982,156 gives the same sequence; the position shown is the placement nearest the transcript's 3' end. VCF-style (leftmost placement, unchanged base first): chr13-99982139-C-CGCG. GRCh37 (hg19) VCF-style: chr13-100634393-C-CGCG.
Identifiers: ClinVar variation 2744216 (VCV002744216.4), dbSNP rs748109787, ClinGen allele CA7032772.
Genomic context (GRCh38, chr13:99,982,139, plus strand): 5'-GGGTCCGCAGTTCCCGGCCATCGGGGTGGGCAGCTTCGCGCGCCACCATCACCACTCCGC[C>CGCG]GCGGCGGCGGCGGCGGCTGCCGCCGAGATGCAGGACCGTGAACTGAGCCTGGCGGCGGCG-3'